The following is an entry in ClinVar:

ClinVar aggregate classification (germline): Uncertain significance (1 of 4 stars; one submission).

gnomAD v4.1: 1 of 1,613,584 alleles (0.000062%); highest among the groups gnomAD compares: Non-Finnish European, 0.000085%; no homozygotes.

Submission:

GeneDx
Classification: Uncertain significance. Last evaluated: 2025-06-02. Review status: criteria provided, single submitter. Criteria: GeneDx Variant Classification Process June 2021. Collection method: clinical testing. Allele origin: germline. Affected: yes.
Comment: Not observed at significant frequency in large population cohorts (gnomAD); In silico analysis supports that this missense variant has a deleterious effect on protein structure/function; Has not been previously published as pathogenic or benign to our knowledge

NM_002609.4(PDGFRB):c.2312A>G (p.Tyr771Cys)

Gene: PDGFRB (platelet derived growth factor receptor beta; minus strand). Cytogenetic location: 5q32.
Variant type: single nucleotide variant.
Coding change: c.2312A>G on transcript NM_002609.4 (MANE Select); coding-DNA position 2312, A replaced by G.
Protein change: p.Tyr771Cys; replaces tyrosine 771 with cysteine.
Molecular consequence: missense variant.
Genome position (GRCh38, 1-based): chr5:150,121,912, T>C on the plus strand (A>G on the coding strand, the complement: PDGFRB is on the minus strand). VCF-style: chr5-150121912-T-C. GRCh37 (hg19) VCF-style: chr5-149501475-T-C.
Other names: c.2120A>G, p.Tyr707Cys (NM_001355016.2); c.1829A>G, p.Tyr610Cys (NM_001355017.2); short protein forms Y610C, Y707C, Y771C.
Identifiers: ClinVar variation 4536458 (VCV004536458.1).